The following is an entry in ClinVar:

ClinVar aggregate classification (germline): Uncertain significance. Review status: criteria provided, multiple submitters, no conflicts (2 of 4 stars). 4 submissions from 3 submitters: Uncertain significance (4). Last evaluated 2025-09-15.

Conditions:
Autosomal dominant nocturnal frontal lobe epilepsy 5. Also called: Epilepsy, nocturnal frontal lobe, 5; KCNT1-Related Epilepsy; CILIARY DYSKINESIA, PRIMARY, 28, WITHOUT SITUS INVERSUS; CILIARY DYSKINESIA, PRIMARY, 28, WITH SITUS INVERSUS. Identifiers: Orphanet 98784, MedGen C3554306, MONDO:0014002, OMIM 615005.
Developmental and epileptic encephalopathy, 14 (DEE14). Also called: Early infantile epileptic encephalopathy 14. Identifiers: Orphanet 293181, MedGen C3554195, MONDO:0013989, OMIM 614959.

Allele frequency attached by ClinVar (database versions not stated): gnomAD exomes below 0.00001.
gnomAD v4.1: 2 of 1,612,208 alleles (0.00012%); highest among the groups gnomAD compares: Non-Finnish European, 0.00017%; no homozygotes.

Submissions (4):

Labcorp Genetics (formerly Invitae), Labcorp
Classification: Uncertain significance for Autosomal dominant nocturnal frontal lobe epilepsy 5; Developmental and epileptic encephalopathy, 14. Last evaluated: 2025-09-15. Review status: criteria provided, single submitter. Criteria: Invitae Variant Classification Sherloc (09022015). Collection method: clinical testing. Allele origin: germline.
Comment: This sequence change replaces histidine, which is basic and polar, with tyrosine, which is neutral and polar, at codon 396 of the KCNT1 protein (p.His396Tyr). This variant is not present in population databases (gnomAD no frequency). This variant has not been reported in the literature in individuals affected with KCNT1-related conditions. ClinVar contains an entry for this variant (Variation ID: 660067). Invitae Evidence Modeling of protein sequence and biophysical properties (such as structural, functional, and spatial information, amino acid conservation, physicochemical variation, residue mobility, and thermodynamic stability) indicates that this missense variant is not expected to disrupt KCNT1 protein function with a negative predictive value of 80%. In summary, the available evidence is currently insufficient to determine the role of this variant in disease. Therefore, it has been classified as a Variant of Uncertain Significance.

Genome-Nilou Lab
Classification: Uncertain significance for Developmental and epileptic encephalopathy, 14. Last evaluated: 2022-03-15. Review status: criteria provided, single submitter. Criteria: ACMG Guidelines, 2015. Collection method: clinical testing. Allele origin: germline. Affected: no.

Genome-Nilou Lab
Classification: Uncertain significance for Autosomal dominant nocturnal frontal lobe epilepsy 5. Last evaluated: 2022-03-15. Review status: criteria provided, single submitter. Criteria: ACMG Guidelines, 2015. Collection method: clinical testing. Allele origin: germline. Affected: no.

GeneDx
Classification: Uncertain significance. Last evaluated: 2020-01-13. Review status: criteria provided, single submitter. Criteria: GeneDx Variant Classification Process June 2021. Collection method: clinical testing. Allele origin: germline. Affected: yes.
Comment: Not observed in large population cohorts (Lek et al., 2016); In silico analysis, which includes protein predictors and evolutionary conservation, supports a deleterious effect; Has not been previously published as pathogenic or benign to our knowledge

NM_020822.3(KCNT1):c.1186C>T (p.His396Tyr)

Gene: KCNT1 (potassium sodium-activated channel subfamily T member 1; plus strand). Cytogenetic location: 9q34.3.
Variant type: single nucleotide variant.
Coding change: c.1186C>T on transcript NM_020822.3 (MANE Select); coding-DNA position 1186, C replaced by T.
Protein change: p.His396Tyr; replaces histidine 396 with tyrosine.
Molecular consequence: missense variant.
Genome position (GRCh38, 1-based): chr9:135,765,181, C>T. VCF-style: chr9-135765181-C-T. GRCh37 (hg19) VCF-style: chr9-138657027-C-T.
Other names: c.1051C>T, p.His351Tyr (NM_001272003.2); short protein forms H396Y, H351Y.
Identifiers: ClinVar variation 660067 (VCV000660067.13), dbSNP rs1588343193, ClinGen allele CA375500701.